The following is an entry in ClinVar:

ClinVar aggregate classification (germline): Uncertain significance. Review status: criteria provided, multiple submitters, no conflicts (2 of 4 stars). 2 submissions from 2 submitters: Uncertain significance (2). Last evaluated 2026-07-06.

Conditions:
Hereditary cancer-predisposing syndrome. Also called: Hereditary Cancer Syndrome; Hereditary neoplastic syndrome; Neoplastic Syndromes, Hereditary; Tumor predisposition. Identifiers: Orphanet 140162, MedGen C0027672, MeSH D009386, MONDO:0015356.

Submissions (2):

Ambry Genetics
Classification: Uncertain significance for Hereditary cancer-predisposing syndrome. Last evaluated: 2026-07-06. Review status: criteria provided, single submitter. Criteria: Ambry Variant Classification Scheme 2023. Collection method: clinical testing. Allele origin: germline.
Comment: The p.P338A variant (also known as c.1012C>G), located in coding exon 11 of the BAP1 gene, results from a C to G substitution at nucleotide position 1012. The proline at codon 338 is replaced by alanine, an amino acid with highly similar properties. This amino acid position is conserved. In addition, this alteration is predicted to be tolerated by in silico analysis. Based on the available evidence, the clinical significance of this variant remains unclear.

GeneDx
Classification: Uncertain significance. Last evaluated: 2022-10-24. Review status: criteria provided, single submitter. Criteria: GeneDx Variant Classification Process June 2021. Collection method: clinical testing. Allele origin: germline. Affected: yes.
Comment: Not observed at significant frequency in large population cohorts (gnomAD); In silico analysis supports that this missense variant does not alter protein structure/function; Has not been previously published as pathogenic or benign to our knowledge

NM_004656.4(BAP1):c.1012C>G (p.Pro338Ala)

Gene: BAP1 (BRCA1 associated deubiquitinase 1; minus strand). Cytogenetic location: 3p21.1.
Variant type: single nucleotide variant.
Coding change: c.1012C>G on transcript NM_004656.4 (MANE Select); coding-DNA position 1012, C replaced by G.
Protein change: p.Pro338Ala; replaces proline 338 with alanine.
Molecular consequence: missense variant.
Genome position (GRCh38, 1-based): chr3:52,405,214, G>C on the plus strand (C>G on the coding strand, the complement: BAP1 is on the minus strand). VCF-style: chr3-52405214-G-C. GRCh37 (hg19) VCF-style: chr3-52439230-G-C.
Other names: c.958C>G, p.Pro320Ala (NM_001410772.1); short protein forms P320A, P338A.
Identifiers: ClinVar variation 2499682 (VCV002499682.2), dbSNP rs2153227047, ClinGen allele CA353105963.